The following is an entry in ClinVar:

NM_174936.4(PCSK9):c.1467C>G (p.Phe489Leu)

Gene: PCSK9 (proprotein convertase subtilisin/kexin type 9; plus strand). Cytogenetic location: 1p32.3.
Variant type: single nucleotide variant.
Coding change: c.1467C>G on transcript NM_174936.4 (MANE Select); coding-DNA position 1467, C replaced by G.
Protein change: p.Phe489Leu; replaces phenylalanine 489 with leucine.
Molecular consequence: missense variant.
Genome position (GRCh38, 1-based): chr1:55,058,611, C>G. VCF-style: chr1-55058611-C-G. GRCh37 (hg19) VCF-style: chr1-55524284-C-G.
Other names: c.1590C>G, p.Phe530Leu (NM_001407240.1); c.1467C>G, p.Phe489Leu (NM_001407241.1); c.1470C>G, p.Phe490Leu (NM_001407242.1); c.1410C>G, p.Phe470Leu (NM_001407243.1); c.1293C>G, p.Phe431Leu (NM_001407244.1); c.1275C>G, p.Phe425Leu (NM_001407245.1); c.1092C>G, p.Phe364Leu (NM_001407246.1); short protein forms F489L, F530L, F431L, F364L, F470L, F425L, F490L.
Identifiers: ClinVar variation 1332214 (VCV001332214.4), dbSNP rs2100326325, ClinGen allele CA340479193.

ClinVar aggregate classification (germline): Uncertain significance (1 of 4 stars; one submission).

Conditions:
Familial hypercholesterolemia. Also called: Familial hypercholesterolaemia. Identifiers: MedGen C0020445, MONDO:0005439.

Submission:

Color Diagnostics, LLC DBA Color Health
Classification: Uncertain significance for Familial hypercholesterolemia. Last evaluated: 2024-03-06. Review status: criteria provided, single submitter. Criteria: ACMG Guidelines, 2015. Collection method: clinical testing. Allele origin: germline.
Comment: This missense variant replaces phenylalanine with leucine at codon 489 of the PCSK9 protein. Computational prediction suggests that this variant may not impact protein structure and function (internally defined REVEL score threshold <= 0.5, PMID: 27666373). To our knowledge, functional studies have not been reported for this variant. This variant has not been reported in individuals affected with familial hypercholesterolemia in the literature. This variant has not been identified in the general population by the Genome Aggregation Database (gnomAD). The available evidence is insufficient to determine the role of this variant in disease conclusively. Therefore, this variant is classified as a Variant of Uncertain Significance.